The following is an entry in ClinVar:

NM_004972.4(JAK2):c.2171T>C (p.Ile724Thr)

Genes: INSL6 (insulin like 6; minus strand), JAK2 (Janus kinase 2; plus strand). Cytogenetic location: 9p24.1.
Variant type: single nucleotide variant.
Coding change: c.2171T>C on transcript NM_004972.4 (MANE Select); coding-DNA position 2171, T replaced by C.
Protein change: p.Ile724Thr; replaces isoleucine 724 with threonine.
Molecular consequence: missense variant. On other transcripts: non-coding transcript variant (2).
Genome position (GRCh38, 1-based): chr9:5,080,268, T>C. VCF-style: chr9-5080268-T-C. GRCh37 (hg19) VCF-style: chr9-5080268-T-C.
Other names: c.2171T>C, p.Ile724Thr (NM_001322194.2, NM_001322195.2, NM_001322196.2); c.956T>C, p.Ile319Thr (NM_001322198.2, NM_001322199.2); c.1724T>C, p.Ile575Thr (NM_001322204.2); short protein forms I724T, I575T, I319T.
Identifiers: ClinVar variation 134552 (VCV000134552.23), dbSNP rs372254348, ClinGen allele CA160162.

ClinVar aggregate classification (germline): Conflicting classifications of pathogenicity. Review status: criteria provided, conflicting classifications (1 of 4 stars). 6 submissions from 6 submitters: Uncertain significance (1); Likely benign (3). 2 of the submissions do not count toward it. Last evaluated 2025-08-24.

Conditions:
JAK2-related disorder. Also called: JAK2-related condition.
Primary myelofibrosis. Also called: Myelofibrosis, somatic. Identifiers: Orphanet 824, MedGen C0001815, MeSH D055728, MONDO:0009692, OMIM 254450.
Thrombocythemia 3 (THCYT3). Also called: THROMBOCYTHEMIA 3, SOMATIC; THROMBOCYTOSIS 3. Identifiers: MedGen C3281125, MONDO:0013794, OMIM 614521.
Primary familial polycythemia due to EPO receptor mutation. Also called: ERYTHROCYTOSIS, SOMATIC; Erythrocytosis, familial, 1; Primary Familial Congenital Polycythemia; POLYCYTHEMIA, PRIMARY FAMILIAL AND CONGENITAL. Identifiers: Orphanet 90042, MedGen C4551637, MONDO:0007572, OMIM 133100.
Acquired polycythemia vera. Also called: Polycythemia vera, somatic; POLYCYTHEMIA RUBRA VERA; Suspected polycythemia vera. Identifiers: Orphanet 729, MedGen C0032463, MeSH D011087, MONDO:0009891, OMIM 263300.
Budd-Chiari syndrome (BDCHS). Also called: Hepatic vein obstruction. Identifiers: Orphanet 131, MedGen C0856761, MONDO:0010947, OMIM 600880, HP:0002639.
Acute myeloid leukemia (AML). Also called: Acute myeloid leukemia, adult; AML adult; Acute non-lymphocytic leukemia; Acute granulocytic leukemia; Leukemia, acute myelogenous, somatic; Leukemia, acute myeloid, somatic. Identifiers: Orphanet 519, MedGen C0023467, MeSH D015470, MONDO:0018874, OMIM 601626, HP:0004808. Disease mechanism: Constitutively activated FLT3.

Allele frequency attached by ClinVar (database versions not stated): TOPMed 0.00012; gnomAD 0.00013 and 0.00014; ExAC 0.00007; ESP Exome Variant Server 0.00008; gnomAD exomes 0.00009 and 0.00004.
gnomAD v4.1: 109 of 1,613,676 alleles (0.0068%); highest among the groups gnomAD compares: East Asian, 0.054%; 1 homozygote.

Submissions (6):

Labcorp Genetics (formerly Invitae), Labcorp
Classification: Likely benign. Last evaluated: 2025-08-24. Review status: criteria provided, single submitter. Criteria: Invitae Variant Classification Sherloc (09022015). Collection method: clinical testing. Allele origin: germline.

Blueprint Genetics
Classification: Likely benign. Last evaluated: 2024-11-01. Review status: criteria provided, single submitter. Criteria: ACMG Guidelines, 2015. Collection method: clinical testing. Allele origin: germline.

CeGaT Center for Human Genetics Tuebingen
Classification: Likely benign. Last evaluated: 2024-10-01. Review status: criteria provided, single submitter. Criteria: CeGaT Center For Human Genetics Tuebingen Variant Classification Criteria Version 2. Collection method: clinical testing. Allele origin: germline. Affected: yes. Observed: 1 variant allele.
Comment: JAK2: BS1

Department of Pathology and Laboratory Medicine, Sinai Health System
Classification: Uncertain significance for Primary familial polycythemia due to EPO receptor mutation; Primary myelofibrosis; Acquired polycythemia vera; Budd-Chiari syndrome; Acute myeloid leukemia; Thrombocythemia 3. Last evaluated: 2022-06-16. Review status: criteria provided, single submitter. Criteria: ACMG Guidelines, 2015. Collection method: research. Allele origin: germline.

PreventionGenetics, part of Exact Sciences
Classification: Likely benign for JAK2-related condition. Last evaluated: 2022-04-13. Review status: no assertion criteria provided. Collection method: clinical testing. Allele origin: germline. Not counted in ClinVar's aggregate classification.
Comment: This variant is classified as likely benign based on ACMG/AMP sequence variant interpretation guidelines (Richards et al. 2015 PMID: 25741868, with internal and published modifications).

ITMI
No classification provided. Condition: AllHighlyPenetrant. Last evaluated: 2013-09-19. Review status: no classification provided. Collection method: reference population. Allele origin: germline. Not counted in ClinVar's aggregate classification.
Comment: Please see associated publication for description of ethnicities

Literature cited by the submitters: PubMed 24728327 (cited by ITMI).